The following is an entry in ClinVar:

ClinVar aggregate classification (germline): Likely benign (0 of 4 stars; one submission).

Conditions:
PADI4-related disorder. Also called: PADI4-related condition.

Allele frequency attached by ClinVar (database versions not stated): ESP Exome Variant Server 0.00131; ExAC 0.00145; gnomAD 0.00173; gnomAD exomes 0.00194; 1000 Genomes Project 0.00220; TOPMed 0.00253; 1000 Genomes Project 30x 0.00265.
gnomAD v4.1: 3,143 of 1,614,118 alleles (0.19%); highest among the groups gnomAD compares: Admixed American, 0.23%; 8 homozygotes.

Submission:

PreventionGenetics, part of Exact Sciences
Classification: Likely benign for PADI4-related condition. Last evaluated: 2023-05-19. Review status: no assertion criteria provided. Collection method: clinical testing. Allele origin: germline.
Comment: This variant is classified as likely benign based on ACMG/AMP sequence variant interpretation guidelines (Richards et al. 2015 PMID: 25741868, with internal and published modifications).

NM_012387.3(PADI4):c.1825C>T (p.Arg609Cys)

Gene: PADI4 (peptidyl arginine deiminase 4; plus strand). Cytogenetic location: 1p36.13.
Variant type: single nucleotide variant.
Coding change: c.1825C>T on transcript NM_012387.3 (MANE Select); coding-DNA position 1825, C replaced by T.
Protein change: p.Arg609Cys; replaces arginine 609 with cysteine.
Molecular consequence: missense variant.
Genome position (GRCh38, 1-based): chr1:17,363,588, C>T. VCF-style: chr1-17363588-C-T. GRCh37 (hg19) VCF-style: chr1-17690083-C-T.
Other names: short protein forms R609C.
Identifiers: ClinVar variation 3043093 (VCV003043093.2), dbSNP rs142092052, ClinGen allele CA641069.